The following is an entry in ClinVar:

NM_004364.5(CEBPA):c.50G>A (p.Ser17Asn)

Genes: CEBPA (CCAAT enhancer binding protein alpha; minus strand), LOC130064183 (ATAC-STARR-seq lymphoblastoid silent region 10495; plus strand). Cytogenetic location: 19q13.11.
Variant type: single nucleotide variant.
Coding change: c.50G>A on transcript NM_004364.5 (MANE Select); coding-DNA position 50, G replaced by A.
Protein change: p.Ser17Asn; replaces serine 17 with asparagine.
Molecular consequence: missense variant. On other transcripts: 5 prime UTR variant (1).
Genome position (GRCh38, 1-based): chr19:33,302,365, C>T on the plus strand (G>A on the coding strand, the complement: CEBPA is on the minus strand). VCF-style: chr19-33302365-C-T. GRCh37 (hg19) VCF-style: chr19-33793271-C-T.
Other names: c.-308G>A (NM_001285829.2); c.155G>A, p.Ser52Asn (NM_001287424.2); c.8G>A, p.Ser3Asn (NM_001287435.2); short protein forms S52N, S17N, S3N.
Identifiers: ClinVar variation 4225037 (VCV004225037.1).

ClinVar aggregate classification (germline): Uncertain significance (1 of 4 stars; one submission).

Conditions:
Inborn genetic diseases. Identifiers: MedGen C0950123, MeSH D030342.

Submission:

Ambry Genetics
Classification: Uncertain significance for Inborn genetic diseases. Last evaluated: 2025-07-10. Review status: criteria provided, single submitter. Criteria: Ambry Variant Classification Scheme 2023. Collection method: clinical testing. Allele origin: germline.
Comment: The p.S17N variant (also known as c.50G>A), located in coding exon 1 of the CEBPA gene, results from a G to A substitution at nucleotide position 50. The serine at codon 17 is replaced by asparagine, an amino acid with highly similar properties. This amino acid position is conserved. In addition, this alteration is predicted to be tolerated by in silico analysis. Based on the available evidence, the clinical significance of this variant remains unclear.